The following is an entry in ClinVar:

NM_004004.5(GJB2):c.[79G>A;341A>G]

Variant type: Haplotype.
Identifiers: ClinVar variation 177819 (VCV000177819.6).

ClinVar aggregate classification (germline): Benign/Likely benign. Review status: criteria provided, multiple submitters, no conflicts (2 of 4 stars). 2 submissions from 2 submitters: Benign (1); Likely benign (1). Last evaluated 2021-04-20.

Submissions (2):

Women's Health and Genetics/Laboratory Corporation of America, LabCorp
Classification: Benign. Last evaluated: 2021-04-20. Review status: criteria provided, single submitter. Criteria: LabCorp Variant Classification Summary - May 2015. Collection method: clinical testing. Allele origin: germline.
Comment: Variant summary: GJB2 c.[79G>A;341A>G] (p.[Val27Ile;Glu114Gly]) is a complex allele and involves the alteration of multiple nucleotides. This complex variant has been detected in individuals with Non-Syndromic Hearing Loss as well as controls, predominantly in individuals of East Asian ethnicity (e.g. Cheng_2009, Choi_2011, Zainal_2012). These reports do not provide unequivocal conclusions about association of the variant with Non-Syndromic Hearing Loss. The presence of this variant at similar frequencies in both cases and controls, including as homozygous in multiple individuals without hearing loss, supports the notion that this complex variant is unlikely to be pathogenic (e.g. Choi_2011, Chen_2016). c.[79G>A;341A>G] has also been reported in the literature in individuals affected with Non-Syndromic Hearing Loss in cis with other known pathogenic variants (e.g.Dai_2009, Tekin_2010), providing supporting evidence for a benign role for the complex variant. Several publications report experimental evidence evaluating an impact on protein function with conflicting conclusions, however indicate that the variant retained at least some normal GJ channel activity (e.g. Tekin_2010, Choi_2011, Ogawa_2014). No other clinical diagnostic laboratories have submitted clinical-significance assessments for this variant to ClinVar after 2014. Based on the evidence outlined above, the variant was classified as benign.

Laboratory for Molecular Medicine, Mass General Brigham Personalized Medicine
Classification: Likely benign. Last evaluated: 2014-05-23. Review status: criteria provided, single submitter. Criteria: LMM Criteria. Collection method: clinical testing. Allele origin: germline. Observed: 37 variant alleles.
Comment: p.[Val27Ile;Glu114Gly] in Exon 2 of GJB2: The p.Val27Ile and p.Glu114Gly variant s in GJB2 have been detected as independent variants in control individuals and have been classified as common benign polymorphisms (Kelley 1998; Park 2000). Se veral reports associate the presence of these two variants in cis (on the same c hromosome) with hearing loss, particularly when combined with another clearly pa thogenic GJB2 variant (Putcha 2007, Rodriguez-Paris 2010, Kenna 2010). However, this combined allele has been identified in the homozygous state at a frequency of 4.2% (12/286) in Chinese and Japanese individuals by the 1000 Genomes Project (dbSNP IDs rs2274084 and rs2274083). In addition, the p.[Val27Ile;Glu114Gly] al lele has been reported at a similar frequency (around 20%) in Korean hearing los s patients and controls (Choi 2011). In summary, the p.[Val27Ile;Glu114Gly] comb ined allele is not expected to have clinical significance based on its relativel y equal frequency in affected and control cohorts.

Literature cited by the submitters: PubMed 22613756 (cited by Women's Health and Genetics/Laboratory Corporation of America, LabCorp); PubMed 15790391 (cited by Women's Health and Genetics/Laboratory Corporation of America, LabCorp); PubMed 12172394 (cited by Women's Health and Genetics/Laboratory Corporation of America, LabCorp); PubMed 16379178 (cited by Women's Health and Genetics/Laboratory Corporation of America, LabCorp); PubMed 10983956 (cited by Women's Health and Genetics/Laboratory Corporation of America, LabCorp and Laboratory for Molecular Medicine, Mass General Brigham Personalized Medicine); PubMed 12865758 (cited by Women's Health and Genetics/Laboratory Corporation of America, LabCorp); PubMed 11698809 (cited by Women's Health and Genetics/Laboratory Corporation of America, LabCorp); PubMed 21298213 (cited by Women's Health and Genetics/Laboratory Corporation of America, LabCorp and Laboratory for Molecular Medicine, Mass General Brigham Personalized Medicine); PubMed 19366456 (cited by Women's Health and Genetics/Laboratory Corporation of America, LabCorp); PubMed 20607074 (cited by Women's Health and Genetics/Laboratory Corporation of America, LabCorp); PubMed 19719946 (cited by Women's Health and Genetics/Laboratory Corporation of America, LabCorp); PubMed 20201936 (cited by Women's Health and Genetics/Laboratory Corporation of America, LabCorp and Laboratory for Molecular Medicine, Mass General Brigham Personalized Medicine); PubMed 24785414 (cited by Women's Health and Genetics/Laboratory Corporation of America, LabCorp); PubMed 27063752 (cited by Women's Health and Genetics/Laboratory Corporation of America, LabCorp); PubMed 10607953 (cited by Laboratory for Molecular Medicine, Mass General Brigham Personalized Medicine); PubMed 17666888 (cited by Laboratory for Molecular Medicine, Mass General Brigham Personalized Medicine); PubMed 20668687 (cited by Laboratory for Molecular Medicine, Mass General Brigham Personalized Medicine); PubMed 20083784 (cited by Laboratory for Molecular Medicine, Mass General Brigham Personalized Medicine); PubMed 9529365 (cited by Laboratory for Molecular Medicine, Mass General Brigham Personalized Medicine); PubMed 23826813 (cited by Laboratory for Molecular Medicine, Mass General Brigham Personalized Medicine).